The following is an entry in ClinVar:

ClinVar aggregate classification (germline): Uncertain significance (1 of 4 stars; one submission).

Conditions:
Encephalopathy, acute, infection-induced (herpes-specific), susceptibility to, 1. Also called: Herpes simplex encephalitis, susceptibility to, 1. Identifiers: Orphanet 1930, MedGen C2750180, MONDO:0024563, OMIM 610551.

Submission:

Labcorp Genetics (formerly Invitae), Labcorp
Classification: Uncertain significance for Encephalopathy, acute, infection-induced (herpes-specific), susceptibility to, 1. Last evaluated: 2019-12-19. Review status: criteria provided, single submitter. Criteria: Invitae Variant Classification Sherloc (09022015). Collection method: clinical testing. Allele origin: germline.
Comment: In summary, the available evidence is currently insufficient to determine the role of this variant in disease. Therefore, it has been classified as a Variant of Uncertain Significance. Algorithms developed to predict the effect of missense changes on protein structure and function are either unavailable or do not agree on the potential impact of this missense change (SIFT: "Deleterious"; PolyPhen-2: "Probably Damaging"; Align-GVGD: "Class C0"). This variant has not been reported in the literature in individuals with TLR3-related conditions. This variant is not present in population databases (ExAC no frequency). This sequence change replaces asparagine with histidine at codon 662 of the TLR3 protein (p.Asn662His). The asparagine residue is highly conserved and there is a small physicochemical difference between asparagine and histidine.

NM_003265.3(TLR3):c.1984A>C (p.Asn662His)

Gene: TLR3 (toll like receptor 3; plus strand). Cytogenetic location: 4q35.1.
Variant type: single nucleotide variant.
Coding change: c.1984A>C on transcript NM_003265.3 (MANE Select); coding-DNA position 1984, A replaced by C.
Protein change: p.Asn662His; replaces asparagine 662 with histidine.
Molecular consequence: missense variant.
Genome position (GRCh38, 1-based): chr4:186,083,670, A>C. VCF-style: chr4-186083670-A-C. GRCh37 (hg19) VCF-style: chr4-187004824-A-C.
Other names: short protein forms N662H.
Identifiers: ClinVar variation 843484 (VCV000843484.11), dbSNP rs2099303904, ClinGen allele CA358934686.
Genomic context (GRCh38, chr4:186,083,670, plus strand): 5'-ATGCGCTTTAATCCCTTTGATTGCACGTGTGAAAGTATTGCCTGGTTTGTTAATTGGATT[A>C]ACGAGACCCATACCAACATCCCTGAGCTGTCAAGCCACTACCTTTGCAACACTCCACCTC-3'
Protein context (NP_003256.1, residues 652-672): ESIAWFVNWI[Asn662His]ETHTNIPELS